The following is an entry in ClinVar:

NM_003265.3(TLR3):c.1428T>G (p.Phe476Leu)

Gene: TLR3 (toll like receptor 3; plus strand). Cytogenetic location: 4q35.1.
Variant type: single nucleotide variant.
Coding change: c.1428T>G on transcript NM_003265.3 (MANE Select); coding-DNA position 1428, T replaced by G.
Protein change: p.Phe476Leu; replaces phenylalanine 476 with leucine.
Molecular consequence: missense variant.
Genome position (GRCh38, 1-based): chr4:186,083,114, T>G. VCF-style: chr4-186083114-T-G. GRCh37 (hg19) VCF-style: chr4-187004268-T-G.
Other names: short protein forms F476L.
Identifiers: ClinVar variation 3660491 (VCV003660491.2).

ClinVar aggregate classification (germline): Uncertain significance (1 of 4 stars; one submission).

Conditions:
Encephalopathy, acute, infection-induced (herpes-specific), susceptibility to, 1. Also called: Herpes simplex encephalitis, susceptibility to, 1. Identifiers: Orphanet 1930, MedGen C2750180, MONDO:0024563, OMIM 610551.

gnomAD v4.1: 1 of 1,614,214 alleles (0.000062%); highest among the groups gnomAD compares: Admixed American, 0.0017%; no homozygotes.

Submission:

Labcorp Genetics (formerly Invitae), Labcorp
Classification: Uncertain significance for Encephalopathy, acute, infection-induced (herpes-specific), susceptibility to, 1. Last evaluated: 2024-07-24. Review status: criteria provided, single submitter. Criteria: Invitae Variant Classification Sherloc (09022015). Collection method: clinical testing. Allele origin: germline.
Comment: This sequence change replaces phenylalanine, which is neutral and non-polar, with leucine, which is neutral and non-polar, at codon 476 of the TLR3 protein (p.Phe476Leu). This variant is present in population databases (no rsID available, gnomAD 0.003%). This variant has not been reported in the literature in individuals affected with TLR3-related conditions. An algorithm developed to predict the effect of missense changes on protein structure and function (PolyPhen-2) suggests that this variant is likely to be disruptive. In summary, the available evidence is currently insufficient to determine the role of this variant in disease. Therefore, it has been classified as a Variant of Uncertain Significance.